The following is an entry in ClinVar:

NM_000601.6(HGF):c.802A>G (p.Arg268Gly)

Gene: HGF (hepatocyte growth factor; minus strand). Cytogenetic location: 7q21.11.
Variant type: single nucleotide variant.
Coding change: c.802A>G on transcript NM_000601.6 (MANE Select); coding-DNA position 802, A replaced by G.
Protein change: p.Arg268Gly; replaces arginine 268 with glycine.
Molecular consequence: missense variant.
Genome position (GRCh38, 1-based): chr7:81,743,416, T>C on the plus strand (A>G on the coding strand, the complement: HGF is on the minus strand). VCF-style: chr7-81743416-T-C. GRCh37 (hg19) VCF-style: chr7-81372732-T-C.
Other names: c.802A>G, p.Arg268Gly (NM_001010931.3); c.787A>G, p.Arg263Gly (NM_001010932.3, NM_001010933.3); short protein forms R263G, R268G.
Identifiers: ClinVar variation 3342988 (VCV003342988.1).

ClinVar aggregate classification (germline): Uncertain significance (1 of 4 stars; one submission).

gnomAD v4.1: 12 of 1,613,784 alleles (0.00074%); highest among the groups gnomAD compares: Non-Finnish European, 0.00076%; no homozygotes.

Submission:

GeneDx
Classification: Uncertain significance. Last evaluated: 2023-04-06. Review status: criteria provided, single submitter. Criteria: GeneDx Variant Classification Process June 2021. Collection method: clinical testing. Allele origin: germline. Affected: yes.
Comment: Not observed at significant frequency in large population cohorts (gnomAD); In silico analysis supports that this missense variant has a deleterious effect on protein structure/function; Has not been previously published as pathogenic or benign to our knowledge